The following is an entry in ClinVar:

ClinVar aggregate classification (germline): Conflicting classifications of pathogenicity. Review status: criteria provided, conflicting classifications (1 of 4 stars). 5 submissions from 5 submitters: Uncertain significance (3); Likely benign (1). 1 of the submissions does not count toward it. Last evaluated 2025-05-07.

Conditions:
CDH1-related disorder. Also called: CDH1-related condition.
Hereditary cancer-predisposing syndrome. Also called: Tumor predisposition; Neoplastic Syndromes, Hereditary; Hereditary Cancer Syndrome; Hereditary neoplastic syndrome. Identifiers: Orphanet 140162, MedGen C0027672, MeSH D009386, MONDO:0015356.
Hereditary diffuse gastric adenocarcinoma (HDGC). Also called: DIFFUSE GASTRIC AND LOBULAR BREAST CANCER SYNDROME. Identifiers: Orphanet 26106, MedGen C1708349, MONDO:0007648, OMIM 137215.

Allele frequency attached by ClinVar (database versions not stated): gnomAD exomes below 0.00001; TOPMed below 0.00001.

Submissions (5):

Ambry Genetics
Classification: Likely benign for Hereditary cancer-predisposing syndrome. Last evaluated: 2025-05-07. Review status: criteria provided, single submitter. Criteria: Ambry Variant Classification Scheme 2023. Collection method: clinical testing. Allele origin: germline.

Labcorp Genetics (formerly Invitae), Labcorp
Classification: Uncertain significance for Hereditary diffuse gastric adenocarcinoma. Last evaluated: 2025-04-23. Review status: criteria provided, single submitter. Criteria: Invitae Variant Classification Sherloc (09022015). Collection method: clinical testing. Allele origin: germline.
Comment: This sequence change replaces proline, which is neutral and non-polar, with serine, which is neutral and polar, at codon 88 of the CDH1 protein (p.Pro88Ser). This variant is present in population databases (rs779313390, gnomAD 0.006%). This variant has not been reported in the literature in individuals affected with CDH1-related conditions. ClinVar contains an entry for this variant (Variation ID: 406642). An algorithm developed to predict the effect of missense changes on protein structure and function (PolyPhen-2) suggests that this variant is likely to be tolerated. In summary, the available evidence is currently insufficient to determine the role of this variant in disease. Therefore, it has been classified as a Variant of Uncertain Significance.

GeneDx
Classification: Uncertain significance. Last evaluated: 2022-07-22. Review status: criteria provided, single submitter. Criteria: GeneDx Variant Classification Process June 2021. Collection method: clinical testing. Allele origin: germline. Affected: yes.
Comment: Not observed at significant frequency in large population cohorts (gnomAD); In silico analysis supports that this missense variant does not alter protein structure/function; Has not been previously published as pathogenic or benign to our knowledge; This variant is associated with the following publications: (PMID: 15235021)

Color Diagnostics, LLC DBA Color Health
Classification: Uncertain significance for Hereditary cancer-predisposing syndrome. Last evaluated: 2019-07-25. Review status: criteria provided, single submitter. Criteria: ACMG Guidelines, 2015. Collection method: clinical testing. Allele origin: germline.
Comment: This missense variant replaces proline with serine at codon 88 of the CDH1 protein. Computational prediction tools and conservation analyses are inconclusive regarding the impact of this variant on the protein function. Computational splicing tools suggest that this variant may not impact RNA splicing. To our knowledge, functional assays have not been performed for this variant nor has this variant been reported in individuals affected with hereditary cancer in the literature. This variant has been identified in 3/251344 chromosomes in the general population by the Genome Aggregation Database (gnomAD). Available evidence is insufficient to determine the role of this variant in disease conclusively. Therefore, this variant is classified as a Variant of Uncertain Significance.

PreventionGenetics, part of Exact Sciences
Classification: Uncertain significance for CDH1-related condition. Last evaluated: 2024-07-29. Review status: no assertion criteria provided. Collection method: clinical testing. Allele origin: germline. Not counted in ClinVar's aggregate classification.
Comment: The CDH1 c.262C>T variant is predicted to result in the amino acid substitution p.Pro88Ser. To our knowledge, this variant has not been reported in the literature. This variant is reported in 0.0054% of alleles in individuals of East Asian descent in gnomAD and is classified as a variant of uncertain significance in ClinVar. At this time, the clinical significance of this variant is uncertain due to the absence of conclusive functional and genetic evidence.

NM_004360.5(CDH1):c.262C>T (p.Pro88Ser)

Gene: CDH1 (cadherin 1; plus strand). Cytogenetic location: 16q22.1.
Variant type: single nucleotide variant.
Coding change: c.262C>T on transcript NM_004360.5 (MANE Select); coding-DNA position 262, C replaced by T.
Protein change: p.Pro88Ser; replaces proline 88 with serine.
Molecular consequence: missense variant. On other transcripts: 5 prime UTR variant (2).
Genome position (GRCh38, 1-based): chr16:68,801,768, C>T. VCF-style: chr16-68801768-C-T. GRCh37 (hg19) VCF-style: chr16-68835671-C-T.
Other names: c.262C>T (LRG_301t1); c.262C>T, p.Pro88Ser (NM_001317184.2); c.-1354C>T (NM_001317185.2); c.-1558C>T (NM_001317186.2); short protein forms P88S.
Identifiers: ClinVar variation 406642 (VCV000406642.21), dbSNP rs779313390, ClinGen allele CA8129818.